The following is an entry in ClinVar:

NM_001083961.2(WDR62):c.4255A>T (p.Asn1419Tyr)

Gene: WDR62 (WD repeat domain 62; plus strand). Cytogenetic location: 19q13.12.
Variant type: single nucleotide variant.
Coding change: c.4255A>T on transcript NM_001083961.2 (MANE Select); coding-DNA position 4255, A replaced by T.
Protein change: p.Asn1419Tyr; replaces asparagine 1419 with tyrosine.
Molecular consequence: missense variant.
Genome position (GRCh38, 1-based): chr19:36,104,619, A>T. VCF-style: chr19-36104619-A-T. GRCh37 (hg19) VCF-style: chr19-36595521-A-T.
Other names: c.4240A>T, p.Asn1414Tyr (NM_001411145.1, NM_173636.5); c.4006A>T, p.Asn1336Tyr (NM_001411146.1); c.3904A>T, p.Asn1302Tyr (NM_001411147.1); short protein forms N1419Y, N1336Y, N1414Y, N1302Y.
Identifiers: ClinVar variation 2134765 (VCV002134765.5), dbSNP rs2513801400, ClinGen allele CA405461029.

ClinVar aggregate classification (germline): Uncertain significance. Review status: criteria provided, multiple submitters, no conflicts (2 of 4 stars). 2 submissions from 2 submitters: Uncertain significance (2). Last evaluated 2022-06-30.

Conditions:
Inborn genetic diseases. Identifiers: MedGen C0950123, MeSH D030342.

Submissions (2):

Ambry Genetics
Classification: Uncertain significance for Inborn genetic diseases. Last evaluated: 2022-06-30. Review status: criteria provided, single submitter. Criteria: Ambry Variant Classification Scheme 2023. Collection method: clinical testing. Allele origin: germline.

Labcorp Genetics (formerly Invitae), Labcorp
Classification: Uncertain significance. Last evaluated: 2022-05-06. Review status: criteria provided, single submitter. Criteria: Invitae Variant Classification Sherloc (09022015). Collection method: clinical testing. Allele origin: germline.
Comment: In summary, the available evidence is currently insufficient to determine the role of this variant in disease. Therefore, it has been classified as a Variant of Uncertain Significance. Algorithms developed to predict the effect of missense changes on protein structure and function are either unavailable or do not agree on the potential impact of this missense change (SIFT: "Deleterious"; PolyPhen-2: "Possibly Damaging"; Align-GVGD: "Class C0"). This variant has not been reported in the literature in individuals affected with WDR62-related conditions. This variant is not present in population databases (gnomAD no frequency). This sequence change replaces asparagine, which is neutral and polar, with tyrosine, which is neutral and polar, at codon 1419 of the WDR62 protein (p.Asn1419Tyr).